The following is an entry in ClinVar:

NM_003482.4(KMT2D):c.116del (p.Gly39fs)

Gene: KMT2D (lysine methyltransferase 2D; minus strand). Cytogenetic location: 12q13.12.
Variant type: Deletion.
Coding change: c.116del on transcript NM_003482.4 (MANE Select); coding-DNA position 116, one base deleted (G; older notation c.116delG).
Protein change: p.Gly39fs; shifts the reading frame from glycine 39.
Molecular consequence: frameshift variant.
Genome position (GRCh38, 1-based): chr12:49,054,960, C deleted on the plus strand (G on the coding strand, the reverse complement: KMT2D is on the minus strand); the first of 3 consecutive C bases (chr12:49,054,960-49,054,962); deleting any one gives the same sequence. VCF-style (leftmost placement, unchanged base first): chr12-49054959-TC-T. GRCh37 (hg19) VCF-style: chr12-49448742-TC-T.
Other names: c.116delG (NM_003482.3); short protein forms G39fs.
Identifiers: ClinVar variation 3344588 (VCV003344588.1).

ClinVar aggregate classification (germline): Likely pathogenic (0 of 4 stars; one submission).

Conditions:
KMT2D-related disorder. Also called: KMT2D-Related Disorders.

Submission:

PreventionGenetics, part of Exact Sciences
Classification: Likely pathogenic for KMT2D-related condition. Last evaluated: 2024-09-11. Review status: no assertion criteria provided. Collection method: clinical testing. Allele origin: germline.
Comment: The KMT2D c.116delG variant is predicted to result in a frameshift and premature protein termination (p.Gly39Glufs*91). To our knowledge, this variant has not been reported in the literature or in a large population database, indicating this variant is rare. Frameshift variants in KMT2D are expected to be pathogenic. This variant is interpreted as likely pathogenic.